The following is an entry in ClinVar:

NM_015215.4(CAMTA1):c.3673C>T (p.Arg1225Cys)

Genes: CAMTA1 (calmodulin binding transcription activator 1; plus strand), LOC126805603 (CDK7 strongly-dependent group 2 enhancer GRCh37_chr1:7798026-7799225; plus strand). Cytogenetic location: 1p36.23.
Variant type: single nucleotide variant.
Coding change: c.3673C>T on transcript NM_015215.4 (MANE Select); coding-DNA position 3673, C replaced by T.
Protein change: p.Arg1225Cys; replaces arginine 1225 with cysteine.
Molecular consequence: missense variant. On other transcripts: intron variant (11).
Genome position (GRCh38, 1-based): chr1:7,737,973, C>T. VCF-style: chr1-7737973-C-T. GRCh37 (hg19) VCF-style: chr1-7798033-C-T.
Other names: c.3583C>T, p.Arg1195Cys (NM_001349608.2); c.802C>T, p.Arg268Cys (NM_001349613.1); c.745C>T, p.Arg249Cys (NM_001349614.1, NM_001349615.2, NM_001349616.2 and 2 more transcripts); c.3659-325C>T (NM_001349609.2, NM_001349610.2); c.3569-325C>T (NM_001349612.2); c.731-325C>T (NM_001349620.1, NM_001349621.1, NM_001349625.2 and 5 more transcripts); short protein forms R1225C, R1195C, R249C, R268C.
Identifiers: ClinVar variation 2075079 (VCV002075079.4), dbSNP rs143825338, ClinGen allele CA567013.

ClinVar aggregate classification (germline): Uncertain significance (1 of 4 stars; one submission).

Allele frequency attached by ClinVar (database versions not stated): ExAC 0.00005; ESP Exome Variant Server 0.00008; gnomAD exomes 0.00009; gnomAD 0.00006; TOPMed 0.00008.
gnomAD v4.1: 128 of 1,606,818 alleles (0.008%); highest among the groups gnomAD compares: Non-Finnish European, 0.0099%; no homozygotes.

Submission:

Labcorp Genetics (formerly Invitae), Labcorp
Classification: Uncertain significance. Last evaluated: 2022-08-24. Review status: criteria provided, single submitter. Criteria: Invitae Variant Classification Sherloc (09022015). Collection method: clinical testing. Allele origin: germline.
Comment: In summary, the available evidence is currently insufficient to determine the role of this variant in disease. Therefore, it has been classified as a Variant of Uncertain Significance. Algorithms developed to predict the effect of missense changes on protein structure and function are either unavailable or do not agree on the potential impact of this missense change (SIFT: "Deleterious"; PolyPhen-2: "Possibly Damaging"; Align-GVGD: "Class C0"). This variant has not been reported in the literature in individuals affected with CAMTA1-related conditions. This variant is present in population databases (rs143825338, gnomAD 0.02%). This sequence change replaces arginine, which is basic and polar, with cysteine, which is neutral and slightly polar, at codon 1225 of the CAMTA1 protein (p.Arg1225Cys).